The following is an entry in ClinVar:

ClinVar aggregate classification (germline): Benign/Likely benign. Review status: criteria provided, multiple submitters, no conflicts (2 of 4 stars). 5 submissions from 5 submitters: Benign (2); Likely benign (3). Last evaluated 2026-01-19.

Conditions:
Oto-palato-digital syndrome, type II (OPD2). Also called: Otopalatodigital Syndrome, Type II; OPD II SYNDROME; Otopalatodigital Syndrome Type 2 (FLNA-OPD2); FACIOPALATOOSSEOUS SYNDROME. Identifiers: Orphanet 669, Orphanet 90652, MedGen C1844696, MONDO:0010571, OMIM 304120.
Heterotopia, periventricular, X-linked dominant (PVNH1). Also called: PERIVENTRICULAR NODULAR HETEROTOPIA 1; PERIVENTRICULAR NODULAR HETEROTOPIA 4; HETEROTOPIA, PERIVENTRICULAR, 1; X-linked periventricular heterotopia. Identifiers: Orphanet 2149, Orphanet 82004, MedGen C1848213, MONDO:0010233, OMIM 300049.
Melnick-Needles syndrome (MNS). Also called: MELNICK-NEEDLES OSTEODYSPLASTY; OSTEODYSPLASTY OF MELNICK AND NEEDLES; Melnick-Needles Syndrome (FLNA-MNS). Identifiers: Orphanet 2484, MedGen C0025237, MONDO:0010650, OMIM 309350.
Frontometaphyseal dysplasia (FMD1). Identifiers: Orphanet 1826, MedGen C0265293, MONDO:0015942.
Familial thoracic aortic aneurysm and aortic dissection (TAAD). Also called: Thoracic aortic aneurysms and dissections. Identifiers: Orphanet 91387, MedGen C4707243, MONDO:0019625.

Allele frequency attached by ClinVar (database versions not stated): gnomAD exomes 0.00007 and 0.00018; 1000 Genomes Project 30x 0.00021; ExAC 0.00022; gnomAD 0.00063 and 0.00067.

Submissions (5):

Labcorp Genetics (formerly Invitae), Labcorp
Classification: Benign for Oto-palato-digital syndrome, type II; Heterotopia, periventricular, X-linked dominant; Frontometaphyseal dysplasia; Melnick-Needles syndrome. Last evaluated: 2026-01-19. Review status: criteria provided, single submitter. Criteria: Invitae Variant Classification Sherloc (09022015). Collection method: clinical testing. Allele origin: germline.

Blueprint Genetics
Classification: Likely benign. Last evaluated: 2024-09-02. Review status: criteria provided, single submitter. Criteria: ACMG Guidelines, 2015. Collection method: clinical testing. Allele origin: germline.

Women's Health and Genetics/Laboratory Corporation of America, LabCorp
Classification: Benign. Last evaluated: 2024-05-13. Review status: criteria provided, single submitter. Criteria: LabCorp Variant Classification Summary - May 2015. Collection method: clinical testing. Allele origin: germline.

Ambry Genetics
Classification: Likely benign for Familial thoracic aortic aneurysm and aortic dissection. Last evaluated: 2019-06-14. Review status: criteria provided, single submitter. Criteria: Ambry Variant Classification Scheme 2023. Collection method: clinical testing. Allele origin: germline.

GeneDx
Classification: Likely benign. Last evaluated: 2017-04-26. Review status: criteria provided, single submitter. Criteria: GeneDx Variant Classification (06012015). Collection method: clinical testing. Allele origin: germline. Affected: yes.
Comment: This variant is considered likely benign or benign based on one or more of the following criteria: it is a conservative change, it occurs at a poorly conserved position in the protein, it is predicted to be benign by multiple in silico algorithms, and/or has population frequency not consistent with disease.

NM_001110556.2(FLNA):c.4142+5_4142+14dup

Gene: FLNA (filamin A; minus strand). Cytogenetic location: Xq28.
Variant type: Duplication.
Coding change: c.4142+5_4142+14dup on transcript NM_001110556.2 (MANE Select); bases 5 to 14 of the intron after coding-DNA position 4142, 10 bases duplicated (GGGAGCCCCC; older notation c.4142+5_4142+14dupGGGAGCCCCC).
Molecular consequence: intron variant.
Genome position (GRCh38, 1-based): chrX:154,359,470-154,359,479, GGGGGCTCCC duplicated on the plus strand (GGGAGCCCCC on the coding strand, the reverse complement: FLNA is on the minus strand). VCF-style (leftmost placement, unchanged base first): chrX-154359469-T-TGGGGGCTCCC. GRCh37 (hg19) VCF-style: chrX-153587837-T-TGGGGGCTCCC.
Other names: c.4142+5_4142+14dupGGGAGCCCCC (NM_001456.3); c.4142+5_4142+14dup (NM_001456.4); c.4142+5_4142+14dup10 (NM_001110556.2).
Identifiers: ClinVar variation 421561 (VCV000421561.13), dbSNP rs782735723, ClinGen allele CA10560595.